The following is an entry in ClinVar:

NM_001605.3(AARS1):c.2116T>A (p.Leu706Met)

Gene: AARS1 (alanyl-tRNA synthetase 1; minus strand). Cytogenetic location: 16q22.1.
Variant type: single nucleotide variant.
Coding change: c.2116T>A on transcript NM_001605.3 (MANE Select); coding-DNA position 2116, T replaced by A.
Protein change: p.Leu706Met; replaces leucine 706 with methionine.
Molecular consequence: missense variant.
Genome position (GRCh38, 1-based): chr16:70,258,094, A>T on the plus strand (T>A on the coding strand, the complement: AARS1 is on the minus strand). VCF-style: chr16-70258094-A-T. GRCh37 (hg19) VCF-style: chr16-70291997-A-T.
Other names: short protein forms L706M.
Identifiers: ClinVar variation 1897539 (VCV001897539.5), dbSNP rs1321028089, ClinGen allele CA396557625.

ClinVar aggregate classification (germline): Uncertain significance (1 of 4 stars; one submission).

Conditions:
Charcot-Marie-Tooth disease type 2. Also called: Charcot-Marie-Tooth type 2. Identifiers: Orphanet 64746, MedGen C0270914, MONDO:0018993.

Allele frequency attached by ClinVar (database versions not stated): gnomAD 0.00001.
gnomAD v4.1: 1 of 1,613,932 alleles (0.000062%); highest among the groups gnomAD compares: African/African-American, 0.0013%; no homozygotes.

Submission:

Labcorp Genetics (formerly Invitae), Labcorp
Classification: Uncertain significance for Charcot-Marie-Tooth disease type 2. Last evaluated: 2024-10-16. Review status: criteria provided, single submitter. Criteria: Invitae Variant Classification Sherloc (09022015). Collection method: clinical testing. Allele origin: germline.
Comment: This sequence change replaces leucine, which is neutral and non-polar, with methionine, which is neutral and non-polar, at codon 706 of the AARS protein (p.Leu706Met). This variant is present in population databases (no rsID available, gnomAD 0.01%). This variant has not been reported in the literature in individuals affected with AARS-related conditions. ClinVar contains an entry for this variant (Variation ID: 1897539). An algorithm developed to predict the effect of missense changes on protein structure and function (PolyPhen-2) suggests that this variant is likely to be tolerated. In summary, the available evidence is currently insufficient to determine the role of this variant in disease. Therefore, it has been classified as a Variant of Uncertain Significance.